The following is an entry in ClinVar:

NM_181741.4(ORC4):c.-18+64G>A

Gene: ORC4 (origin recognition complex subunit 4; minus strand). Cytogenetic location: 2q23.1.
Variant type: single nucleotide variant.
Coding change: c.-18+64G>A on transcript NM_181741.4 (MANE Select); 64 bases into the intron after 18 bases upstream of the start codon, G replaced by A.
Molecular consequence: intron variant.
Genome position (GRCh38, 1-based): chr2:148,020,569, C>T on the plus strand (G>A on the coding strand, the complement: ORC4 is on the minus strand). VCF-style: chr2-148020569-C-T. GRCh37 (hg19) VCF-style: chr2-148778138-C-T.
Other names: c.-18+879G>A (NM_181742.4); c.-28+64G>A (NM_001190881.3); c.-166+64G>A (NM_001190882.3); c.-335+64G>A (NM_001374272.1); c.-172+64G>A (NM_001190879.3); c.-18+39G>A (NM_002552.5); c.-232+39G>A (NM_001374270.1).
Identifiers: ClinVar variation 4279001 (VCV004279001.1).
Genomic context (GRCh38, chr2:148,020,569, plus strand): 5'-TTCCCAATCTCCACAGCCTTCCATCCTCCCACTTTCGATTCACCTTGCGCCACCGACGCC[C>T]CTGGCCTTCGTTTGCAGCAAGTTTACCCCCACCATTACCTCTCGCATAAAAGCCTGCATT-3'

ClinVar aggregate classification (germline): Uncertain significance (1 of 4 stars; one submission).

Conditions:
Meier-Gorlin syndrome 2 (MGORS2). Identifiers: Orphanet 2554, MedGen C3151097, MONDO:0013428, OMIM 613800.

Submission:

Institute of Human Genetics, University of Leipzig Medical Center
Classification: Uncertain significance for Meier-Gorlin syndrome 2. Last evaluated: 2025-09-01. Review status: criteria provided, single submitter. Criteria: ACMG Guidelines, 2015. Collection method: clinical testing. Allele origin: paternal. Inheritance: Autosomal recessive inheritance. Affected: yes.
Comment: Criteria applied: PM2_SUP,PM3,PP3